The following is an entry in ClinVar:

ClinVar aggregate classification (germline): Uncertain significance. Review status: criteria provided, multiple submitters, no conflicts (2 of 4 stars). 2 submissions from 2 submitters: Uncertain significance (2). Last evaluated 2022-08-19.

Conditions:
Immunodeficiency 51 (IMD51). Also called: CANDIDIASIS, FAMILIAL, 5. Identifiers: Orphanet 1334, MedGen C4310803, MONDO:0013500, OMIM 613953.

Allele frequency attached by ClinVar (database versions not stated): TOPMed 0.00001; gnomAD 0.00002.
gnomAD v4.1: 95 of 1,608,602 alleles (0.0059%); highest among the groups gnomAD compares: Middle Eastern, 0.017%; 1 homozygote.

Submissions (2):

Labcorp Genetics (formerly Invitae), Labcorp
Classification: Uncertain significance for Immunodeficiency 51. Last evaluated: 2022-08-19. Review status: criteria provided, single submitter. Criteria: Invitae Variant Classification Sherloc (09022015). Collection method: clinical testing. Allele origin: germline.
Comment: This sequence change replaces valine, which is neutral and non-polar, with isoleucine, which is neutral and non-polar, at codon 716 of the IL17RA protein (p.Val716Ile). This variant is present in population databases (rs771961316, gnomAD 0.004%). This variant has not been reported in the literature in individuals affected with IL17RA-related conditions. ClinVar contains an entry for this variant (Variation ID: 1025279). Algorithms developed to predict the effect of missense changes on protein structure and function output the following: SIFT: "Tolerated"; PolyPhen-2: "Benign"; Align-GVGD: "Class C0". The isoleucine amino acid residue is found in multiple mammalian species, which suggests that this missense change does not adversely affect protein function. In summary, the available evidence is currently insufficient to determine the role of this variant in disease. Therefore, it has been classified as a Variant of Uncertain Significance.

Ambry Genetics
Classification: Uncertain significance. Last evaluated: 2022-05-26. Review status: criteria provided, single submitter. Criteria: Ambry Variant Classification Scheme 2023. Collection method: clinical testing. Allele origin: germline.

NM_014339.7(IL17RA):c.2146G>A (p.Val716Ile)

Gene: IL17RA (interleukin 17 receptor A; plus strand). Cytogenetic location: 22q11.1.
Variant type: single nucleotide variant.
Coding change: c.2146G>A on transcript NM_014339.7 (MANE Select); coding-DNA position 2146, G replaced by A.
Protein change: p.Val716Ile; replaces valine 716 with isoleucine.
Molecular consequence: missense variant.
Genome position (GRCh38, 1-based): chr22:17,109,365, G>A. VCF-style: chr22-17109365-G-A. GRCh37 (hg19) VCF-style: chr22-17590255-G-A.
Other names: c.2044G>A, p.Val682Ile (NM_001289905.2); c.2146G>A (NM_014339.5); short protein forms V682I, V716I.
Identifiers: ClinVar variation 1025279 (VCV001025279.4), dbSNP rs771961316, ClinGen allele CA10086914.